The following is an entry in ClinVar:

ClinVar aggregate classification (germline): Uncertain significance (1 of 4 stars; one submission).

Conditions:
3-methylglutaconic aciduria type 1 (MGCA1). Identifiers: Orphanet 67046, MedGen C0342727, MONDO:0009610, OMIM 250950.

Allele frequency attached by ClinVar (database versions not stated): gnomAD exomes below 0.00001.
gnomAD v4.1: 2 of 1,610,326 alleles (0.00012%); highest among the groups gnomAD compares: Admixed American, 0.0017%; no homozygotes.

Submission:

Labcorp Genetics (formerly Invitae), Labcorp
Classification: Uncertain significance for 3-methylglutaconic aciduria type 1. Last evaluated: 2022-07-02. Review status: criteria provided, single submitter. Criteria: Invitae Variant Classification Sherloc (09022015). Collection method: clinical testing. Allele origin: germline.
Comment: In summary, the available evidence is currently insufficient to determine the role of this variant in disease. Therefore, it has been classified as a Variant of Uncertain Significance. Algorithms developed to predict the effect of missense changes on protein structure and function are either unavailable or do not agree on the potential impact of this missense change (SIFT: "Tolerated"; PolyPhen-2: "Probably Damaging"; Align-GVGD: "Class C0"). This variant has not been reported in the literature in individuals affected with AUH-related conditions. This variant is not present in population databases (gnomAD no frequency). This sequence change replaces alanine, which is neutral and non-polar, with glycine, which is neutral and non-polar, at codon 327 of the AUH protein (p.Ala327Gly).

NM_001698.3(AUH):c.980C>G (p.Ala327Gly)

Gene: AUH (AU RNA binding methylglutaconyl-CoA hydratase; minus strand). Cytogenetic location: 9q22.31.
Variant type: single nucleotide variant.
Coding change: c.980C>G on transcript NM_001698.3 (MANE Select); coding-DNA position 980, C replaced by G.
Protein change: p.Ala327Gly; replaces alanine 327 with glycine.
Molecular consequence: missense variant.
Genome position (GRCh38, 1-based): chr9:91,214,388, G>C on the plus strand (C>G on the coding strand, the complement: AUH is on the minus strand). VCF-style: chr9-91214388-G-C. GRCh37 (hg19) VCF-style: chr9-93976670-G-C.
Other names: c.893C>G, p.Ala298Gly (NM_001306190.2); c.653C>G, p.Ala218Gly (NM_001351431.2, NM_001351432.2); c.605C>G, p.Ala202Gly (NM_001351433.2); short protein forms A202G, A218G, A298G, A327G.
Identifiers: ClinVar variation 2141578 (VCV002141578.4), dbSNP rs2537606577, ClinGen allele CA373835483.